The following is an entry in ClinVar:

ClinVar aggregate classification (germline): Uncertain significance (1 of 4 stars; one submission).

Conditions:
Inborn genetic diseases. Identifiers: MedGen C0950123, MeSH D030342.

Submission:

Ambry Genetics
Classification: Uncertain significance for Inborn genetic diseases. Last evaluated: 2024-09-01. Review status: criteria provided, single submitter. Criteria: Ambry Variant Classification Scheme 2023. Collection method: clinical testing. Allele origin: germline.
Comment: The p.T226A variant (also known as c.676A>G), located in coding exon 6 of the BUB1B gene, results from an A to G substitution at nucleotide position 676. The threonine at codon 226 is replaced by alanine, an amino acid with similar properties. This amino acid position is conserved. In addition, this alteration is predicted to be tolerated by in silico analysis. Based on the available evidence, the clinical significance of this variant remains unclear.

NM_001211.6(BUB1B):c.676A>G (p.Thr226Ala)

Gene: BUB1B (BUB1 mitotic checkpoint serine/threonine kinase B; plus strand). Cytogenetic location: 15q15.1.
Variant type: single nucleotide variant.
Coding change: c.676A>G on transcript NM_001211.6 (MANE Select); coding-DNA position 676, A replaced by G.
Protein change: p.Thr226Ala; replaces threonine 226 with alanine.
Molecular consequence: missense variant.
Genome position (GRCh38, 1-based): chr15:40,183,808, A>G. VCF-style: chr15-40183808-A-G. GRCh37 (hg19) VCF-style: chr15-40476009-A-G.
Other names: short protein forms T226A.
Identifiers: ClinVar variation 3483183 (VCV003483183.1).